The following is an entry in ClinVar:

ClinVar aggregate classification (germline): Uncertain significance (1 of 4 stars; one submission).

gnomAD v4.1: 9 of 1,614,044 alleles (0.00056%); highest among the groups gnomAD compares: Non-Finnish European, 0.00076%; no homozygotes.

Submission:

Ambry Genetics
Classification: Uncertain significance. Last evaluated: 2026-05-23. Review status: criteria provided, single submitter. Criteria: Ambry Variant Classification Scheme 2023. Collection method: clinical testing. Allele origin: germline.
Comment: The p.C314F variant (also known as c.941G>T), located in coding exon 1 of the TET2 gene, results from a G to T substitution at nucleotide position 941. The cysteine at codon 314 is replaced by phenylalanine, an amino acid with highly dissimilar properties. This amino acid position is conserved. In addition, this alteration is predicted to be tolerated by in silico analysis. Based on the available evidence, the clinical significance of this variant remains unclear.

NM_001127208.3(TET2):c.941G>T (p.Cys314Phe)

Genes: TET2 (tet methylcytosine dioxygenase 2; plus strand), TET2-AS1 (TET2 antisense RNA 1; minus strand). Cytogenetic location: 4q24.
Variant type: single nucleotide variant.
Coding change: c.941G>T on transcript NM_001127208.3 (MANE Select); coding-DNA position 941, G replaced by T.
Protein change: p.Cys314Phe; replaces cysteine 314 with phenylalanine.
Molecular consequence: missense variant.
Genome position (GRCh38, 1-based): chr4:105,234,883, G>T. VCF-style: chr4-105234883-G-T. GRCh37 (hg19) VCF-style: chr4-106156040-G-T.
Other names: c.941G>T, p.Cys314Phe (NM_017628.4); short protein forms C314F.
Identifiers: ClinVar variation 4865584 (VCV004865584.1).